The following is an entry in ClinVar:

ClinVar aggregate classification (germline): Conflicting classifications of pathogenicity. Review status: criteria provided, conflicting classifications (1 of 4 stars). 4 submissions from 4 submitters: Uncertain significance (3); Likely benign (1). Last evaluated 2025-11-12.

Conditions:
Inborn genetic diseases. Identifiers: MedGen C0950123, MeSH D030342.

Allele frequency attached by ClinVar (database versions not stated): ExAC 0.00002; gnomAD exomes 0.00004.
gnomAD v4.1: 57 of 1,613,612 alleles (0.0035%); highest among the groups gnomAD compares: South Asian, 0.0088%; no homozygotes.

Submissions (4):

Ambry Genetics
Classification: Uncertain significance for Inborn genetic diseases. Last evaluated: 2025-11-12. Review status: criteria provided, single submitter. Criteria: Ambry Variant Classification Scheme 2023. Collection method: clinical testing. Allele origin: germline.

Labcorp Genetics (formerly Invitae), Labcorp
Classification: Likely benign. Last evaluated: 2025-02-06. Review status: criteria provided, single submitter. Criteria: Invitae Variant Classification Sherloc (09022015). Collection method: clinical testing. Allele origin: germline.

GeneDx
Classification: Uncertain significance. Last evaluated: 2024-09-10. Review status: criteria provided, single submitter. Criteria: GeneDx Variant Classification Process June 2021. Collection method: clinical testing. Allele origin: germline. Affected: yes.
Comment: Not observed at significant frequency in large population cohorts (gnomAD); Has not been previously published as pathogenic or benign to our knowledge

Blueprint Genetics
Classification: Uncertain significance. Last evaluated: 2023-04-13. Review status: criteria provided, single submitter. Criteria: ACMG Guidelines, 2015. Collection method: clinical testing. Allele origin: germline.

NM_032119.4(ADGRV1):c.6931G>A (p.Asp2311Asn)

Gene: ADGRV1 (adhesion G protein-coupled receptor V1; plus strand). Cytogenetic location: 5q14.3.
Variant type: single nucleotide variant.
Coding change: c.6931G>A on transcript NM_032119.4 (MANE Select); coding-DNA position 6931, G replaced by A.
Protein change: p.Asp2311Asn; replaces aspartic acid 2311 with asparagine.
Molecular consequence: missense variant.
Genome position (GRCh38, 1-based): chr5:90,691,021, G>A. VCF-style: chr5-90691021-G-A. GRCh37 (hg19) VCF-style: chr5-89986838-G-A.
Other names: c.6931G>A (NM_032119.3); short protein forms D2311N.
Identifiers: ClinVar variation 1954969 (VCV001954969.8), dbSNP rs764647159, ClinGen allele CA3339900.